The following is an entry in ClinVar:

NM_002693.3(POLG):c.1664C>T (p.Thr555Ile)

Gene: POLG (DNA polymerase gamma, catalytic subunit; minus strand). Cytogenetic location: 15q26.1.
Variant type: single nucleotide variant.
Coding change: c.1664C>T on transcript NM_002693.3 (MANE Select); coding-DNA position 1664, C replaced by T.
Protein change: p.Thr555Ile; replaces threonine 555 with isoleucine.
Molecular consequence: missense variant.
Genome position (GRCh38, 1-based): chr15:89,326,660, G>A on the plus strand (C>T on the coding strand, the complement: POLG is on the minus strand). VCF-style: chr15-89326660-G-A. GRCh37 (hg19) VCF-style: chr15-89869891-G-A.
Other names: c.1664C>T, p.Thr555Ile (NM_001126131.2); c.1664C>T (NM_002693.2); short protein forms T555I.
Identifiers: ClinVar variation 1365629 (VCV001365629.7), dbSNP rs749805848, ClinGen allele CA7724735.

ClinVar aggregate classification (germline): Uncertain significance. Review status: criteria provided, single submitter (1 of 4 stars). 2 submissions from 2 submitters: Uncertain significance (1). 1 of the submissions does not count toward it. Last evaluated 2024-07-26.

Conditions:
Progressive sclerosing poliodystrophy (MTDPS4A). Also called: Mitochondrial DNA depletion syndrome 4A (Alpers type); ALPERS PROGRESSIVE INFANTILE POLIODYSTROPHY; NEURONAL DEGENERATION OF CHILDHOOD WITH LIVER DISEASE, PROGRESSIVE; Mitochondrial DNA Depletion Syndrome 4A; Alpers-Huttenlocher Syndrome (AHS); Alpers Syndrome. Identifiers: Orphanet 726, MedGen C0205710, MONDO:0008758, OMIM 203700.
POLG-related disorder. Also called: POLG-Related Spectrum Disorders; POLG-related condition; POLG-Related Disorders. Identifiers: MedGen C4763519.

Allele frequency attached by ClinVar (database versions not stated): gnomAD exomes below 0.00001; TOPMed below 0.00001; ExAC 0.00001.
gnomAD v4.1: 1 of 1,614,072 alleles (0.000062%); highest among the groups gnomAD compares: Admixed American, 0.0017%; no homozygotes.

Submissions (2):

Labcorp Genetics (formerly Invitae), Labcorp
Classification: Uncertain significance for Progressive sclerosing poliodystrophy. Last evaluated: 2024-07-26. Review status: criteria provided, single submitter. Criteria: Invitae Variant Classification Sherloc (09022015). Collection method: clinical testing. Allele origin: germline.
Comment: This sequence change replaces threonine, which is neutral and polar, with isoleucine, which is neutral and non-polar, at codon 555 of the POLG protein (p.Thr555Ile). This variant is present in population databases (rs749805848, gnomAD 0.003%). This missense change has been observed in individual(s) with early onset Parkisonism (PMID: 35861376). ClinVar contains an entry for this variant (Variation ID: 1365629). Advanced modeling of protein sequence and biophysical properties (such as structural, functional, and spatial information, amino acid conservation, physicochemical variation, residue mobility, and thermodynamic stability) has been performed at Invitae for this missense variant, however the output from this modeling did not meet the statistical confidence thresholds required to predict the impact of this variant on POLG protein function. In summary, the available evidence is currently insufficient to determine the role of this variant in disease. Therefore, it has been classified as a Variant of Uncertain Significance.

PreventionGenetics, part of Exact Sciences
Classification: Uncertain significance for POLG-related condition. Last evaluated: 2023-10-30. Review status: no assertion criteria provided. Collection method: clinical testing. Allele origin: germline. Not counted in ClinVar's aggregate classification.
Comment: The POLG c.1664C>T variant is predicted to result in the amino acid substitution p.Thr555Ile. This variant has been reported in an individual with early-onset Parkinson disease (Table 12-1, Chen et al. 2022. PubMed ID: 35861376). This variant is reported in 0.0029% of alleles in individuals of Latino descent in gnomAD. At this time, the clinical significance of this variant is uncertain due to the absence of conclusive functional and genetic evidence.

Literature cited by the submitters: PubMed 35861376 (cited by Labcorp Genetics (formerly Invitae), Labcorp).